The following is an entry in ClinVar:

NM_001093.4(ACACB):c.3769C>G (p.Gln1257Glu)

Gene: ACACB (acetyl-CoA carboxylase beta; plus strand). Cytogenetic location: 12q24.11.
Variant type: single nucleotide variant.
Coding change: c.3769C>G on transcript NM_001093.4 (MANE Select); coding-DNA position 3769, C replaced by G.
Protein change: p.Gln1257Glu; replaces glutamine 1257 with glutamic acid.
Molecular consequence: missense variant.
Genome position (GRCh38, 1-based): chr12:109,222,889, C>G. VCF-style: chr12-109222889-C-G. GRCh37 (hg19) VCF-style: chr12-109660694-C-G.
Other names: short protein forms Q1257E.
Identifiers: ClinVar variation 770609 (VCV000770609.7), dbSNP rs146002202, ClinGen allele CA6774121.

ClinVar aggregate classification (germline): Benign. Review status: criteria provided, multiple submitters, no conflicts (2 of 4 stars). 3 submissions from 3 submitters: Benign (2). 1 of the submissions does not count toward it. Last evaluated 2019-12-31.

Conditions:
ACACB-related disorder. Also called: ACACB-related condition.

Allele frequency attached by ClinVar (database versions not stated): gnomAD exomes 0.00030 and 0.00070; ExAC 0.00107; ESP Exome Variant Server 0.00284; gnomAD 0.00285 and 0.00299; 1000 Genomes Project 30x 0.00297; 1000 Genomes Project 0.00300; TOPMed 0.00337.
gnomAD v4.1: 876 of 1,612,554 alleles (0.054%); highest among the groups gnomAD compares: African/African-American, 1%; 6 homozygotes.

Submissions (3):

Labcorp Genetics (formerly Invitae), Labcorp
Classification: Benign. Last evaluated: 2019-12-31. Review status: criteria provided, single submitter. Criteria: Invitae Variant Classification Sherloc (09022015). Collection method: clinical testing. Allele origin: germline.

Breakthrough Genomics
Classification: Benign. Review status: criteria provided, single submitter. Criteria: ACMG Guidelines, 2015. Collection method: not provided. Allele origin: germline. Inheritance: Unknown mechanism. Affected: yes.

PreventionGenetics, part of Exact Sciences
Classification: Likely benign for ACACB-related condition. Last evaluated: 2019-04-11. Review status: no assertion criteria provided. Collection method: clinical testing. Allele origin: germline. Not counted in ClinVar's aggregate classification.
Comment: This variant is classified as likely benign based on ACMG/AMP sequence variant interpretation guidelines (Richards et al. 2015 PMID: 25741868, with internal and published modifications).